The following is an entry in ClinVar:

NM_152722.5(HEPACAM):c.1226C>T (p.Ala409Val)

Gene: HEPACAM (hepatic and glial cell adhesion molecule; minus strand). Cytogenetic location: 11q24.2.
Variant type: single nucleotide variant.
Coding change: c.1226C>T on transcript NM_152722.5 (MANE Select); coding-DNA position 1226, C replaced by T.
Protein change: p.Ala409Val; replaces alanine 409 with valine.
Molecular consequence: missense variant.
Genome position (GRCh38, 1-based): chr11:124,921,163, G>A on the plus strand (C>T on the coding strand, the complement: HEPACAM is on the minus strand). VCF-style: chr11-124921163-G-A. GRCh37 (hg19) VCF-style: chr11-124791059-G-A.
Other names: c.1382C>T, p.Ala461Val (NM_001411043.1); short protein forms A409V, A461V.
Identifiers: ClinVar variation 3371376 (VCV003371376.1).

ClinVar aggregate classification (germline): Uncertain significance (1 of 4 stars; one submission).

Submission:

GeneDx
Classification: Uncertain significance. Last evaluated: 2024-03-24. Review status: criteria provided, single submitter. Criteria: GeneDx Variant Classification Process June 2021. Collection method: clinical testing. Allele origin: germline. Affected: yes.
Comment: Not observed at significant frequency in large population cohorts (gnomAD); In silico analysis supports that this missense variant does not alter protein structure/function; Has not been previously published as pathogenic or benign to our knowledge